The following is an entry in ClinVar:

NM_012188.5(FOXI1):c.*924C>T

Gene: FOXI1 (forkhead box I1; plus strand). Cytogenetic location: 5q35.1.
Variant type: single nucleotide variant.
Coding change: c.*924C>T on transcript NM_012188.5 (MANE Select); 924 bases downstream of the stop codon, C replaced by T.
Molecular consequence: 3 prime UTR variant.
Genome position (GRCh38, 1-based): chr5:170,109,535, C>T. VCF-style: chr5-170109535-C-T. GRCh37 (hg19) VCF-style: chr5-169536539-C-T.
Other names: c.*924C>T (NM_144769.4).
Identifiers: ClinVar variation 905992 (VCV000905992.5), dbSNP rs45466695, ClinGen allele CA132051151.

ClinVar aggregate classification (germline): Likely benign. Review status: criteria provided, multiple submitters, no conflicts (2 of 4 stars). 2 submissions from 2 submitters: Likely benign (2). Last evaluated 2018-01-12.

Conditions:
Autosomal recessive nonsyndromic hearing loss 4 (DFNB4). Also called: Deafness, autosomal recessive 4; Enlarged vestibular aqueduct, digenic; Nonsyndromic enlarged vestibular aqueduct (NSEVA); FOXI1-Related Pendred Syndrome; KCNJ10-Related Pendred Syndrome; DEAFNESS, AUTOSOMAL RECESSIVE 4, WITH ENLARGED VESTIBULAR AQUEDUCT, DIGENIC. Identifiers: Orphanet 90636, MedGen C3538946, MONDO:0010933, OMIM 600791.

Allele frequency attached by ClinVar (database versions not stated): 1000 Genomes Project 30x 0.03560; 1000 Genomes Project 0.03574; TOPMed 0.04196; gnomAD 0.05560 and 0.05561.

Submissions (2):

Illumina Laboratory Services, Illumina
Classification: Likely benign for Autosomal recessive nonsyndromic hearing loss 4. Last evaluated: 2018-01-12. Review status: criteria provided, single submitter. Criteria: ICSL Variant Classification Criteria 13 December 2019. Collection method: clinical testing. Allele origin: germline.
Comment: This variant was observed in the ICSL laboratory as part of a predisposition screen in an ostensibly healthy population. It had not been previously curated by ICSL or reported in the Human Gene Mutation Database (HGMD: prior to June 1st, 2018), and was therefore a candidate for classification through an automated scoring system. Utilizing variant allele frequency, disease prevalence and penetrance estimates, and inheritance mode, an automated score was calculated to assess if this variant is too frequent to cause the disease. Based on the score and internal cut-off values, a variant classified as likely benign is not then subjected to further curation. The score for this variant resulted in a classification of likely benign for this disease.

Breakthrough Genomics
Classification: Likely benign. Review status: criteria provided, single submitter. Criteria: ACMG Guidelines, 2015. Collection method: not provided. Allele origin: germline. Inheritance: Autosomal recessive inheritance. Affected: yes.